The following is an entry in ClinVar:

NM_003839.4(TNFRSF11A):c.1766C>G (p.Pro589Arg)

Gene: TNFRSF11A (TNF receptor superfamily member 11a; plus strand). Cytogenetic location: 18q21.33.
Variant type: single nucleotide variant.
Coding change: c.1766C>G on transcript NM_003839.4 (MANE Select); coding-DNA position 1766, C replaced by G.
Protein change: p.Pro589Arg; replaces proline 589 with arginine.
Molecular consequence: missense variant. On other transcripts: 3 prime UTR variant (1).
Genome position (GRCh38, 1-based): chr18:62,384,949, C>G. VCF-style: chr18-62384949-C-G. GRCh37 (hg19) VCF-style: chr18-60052182-C-G.
Other names: c.*190C>G (NM_001270949.2); c.929C>G, p.Pro310Arg (NM_001270950.2); c.815C>G, p.Pro272Arg (NM_001270951.2); c.1724C>G, p.Pro575Arg (NM_001278268.2); c.1766C>G (NM_003839.2); short protein forms P310R, P575R, P589R, P272R.
Identifiers: ClinVar variation 1401184 (VCV001401184.10), dbSNP rs745759055, ClinGen allele CA8984050.

ClinVar aggregate classification (germline): Uncertain significance. Review status: criteria provided, multiple submitters, no conflicts (2 of 4 stars). 2 submissions from 2 submitters: Uncertain significance (2). Last evaluated 2025-12-27.

Conditions:
Inborn genetic diseases. Identifiers: MedGen C0950123, MeSH D030342.

Allele frequency attached by ClinVar (database versions not stated): gnomAD exomes 0.00012; ExAC 0.00049.
gnomAD v4.1: 67 of 1,511,180 alleles (0.0044%); highest among the groups gnomAD compares: South Asian, 0.038%; no homozygotes.

Submissions (2):

Labcorp Genetics (formerly Invitae), Labcorp
Classification: Uncertain significance. Last evaluated: 2025-12-27. Review status: criteria provided, single submitter. Criteria: Invitae Variant Classification Sherloc (09022015). Collection method: clinical testing. Allele origin: germline.
Comment: This sequence change replaces proline, which is neutral and non-polar, with arginine, which is basic and polar, at codon 589 of the TNFRSF11A protein (p.Pro589Arg). This variant is present in population databases (rs745759055, gnomAD 0.05%). This variant has not been reported in the literature in individuals affected with TNFRSF11A-related conditions. ClinVar contains an entry for this variant (Variation ID: 1401184). An algorithm developed to predict the effect of missense changes on protein structure and function outputs the following: PolyPhen-2: "Possibly Damaging". The arginine amino acid residue is found in multiple mammalian species, which suggests that this missense change does not adversely affect protein function. In summary, the available evidence is currently insufficient to determine the role of this variant in disease. Therefore, it has been classified as a Variant of Uncertain Significance.

Ambry Genetics
Classification: Uncertain significance for Inborn genetic diseases. Last evaluated: 2025-10-30. Review status: criteria provided, single submitter. Criteria: Ambry Variant Classification Scheme 2023. Collection method: clinical testing. Allele origin: germline.